The following is an entry in ClinVar:

NM_005898.5(CAPRIN1):c.549G>C (p.Leu183Phe)

Gene: CAPRIN1 (cell cycle associated protein 1; plus strand). Cytogenetic location: 11p13.
Variant type: single nucleotide variant.
Coding change: c.549G>C on transcript NM_005898.5 (MANE Select); coding-DNA position 549, G replaced by C.
Protein change: p.Leu183Phe; replaces leucine 183 with phenylalanine.
Molecular consequence: missense variant.
Genome position (GRCh38, 1-based): chr11:34,076,418, G>C. VCF-style: chr11-34076418-G-C. GRCh37 (hg19) VCF-style: chr11-34097965-G-C.
Other names: c.549G>C, p.Leu183Phe (NM_203364.3); short protein forms L183F.
Identifiers: ClinVar variation 4075703 (VCV004075703.1).

ClinVar aggregate classification (germline): Uncertain significance (1 of 4 stars; one submission).

Submission:

GeneDx
Classification: Uncertain significance. Last evaluated: 2025-02-18. Review status: criteria provided, single submitter. Criteria: GeneDx Variant Classification Process June 2021. Collection method: clinical testing. Allele origin: germline. Affected: yes.
Comment: Not observed at significant frequency in large population cohorts (gnomAD); In silico analysis supports that this missense variant has a deleterious effect on protein structure/function; Has not been previously published as pathogenic or benign to our knowledge